The following is an entry in ClinVar:

NM_020778.5(ALPK3):c.3277G>A (p.Gly1093Arg)

Gene: ALPK3 (alpha kinase 3; plus strand). Cytogenetic location: 15q25.3.
Variant type: single nucleotide variant.
Coding change: c.3277G>A on transcript NM_020778.5 (MANE Select); coding-DNA position 3277, G replaced by A.
Protein change: p.Gly1093Arg; replaces glycine 1093 with arginine.
Molecular consequence: missense variant.
Genome position (GRCh38, 1-based): chr15:84,858,015, G>A. VCF-style: chr15-84858015-G-A. GRCh37 (hg19) VCF-style: chr15-85401246-G-A.
Other names: p.Gly1295Arg; short protein forms G1093R.
Identifiers: ClinVar variation 3380316 (VCV003380316.3).

ClinVar aggregate classification (germline): Uncertain significance. Review status: criteria provided, multiple submitters, no conflicts (2 of 4 stars). 2 submissions from 2 submitters: Uncertain significance (2). Last evaluated 2024-09-11.

Submissions (2):

Labcorp Genetics (formerly Invitae), Labcorp
Classification: Uncertain significance. Last evaluated: 2024-09-11. Review status: criteria provided, single submitter. Criteria: Invitae Variant Classification Sherloc (09022015). Collection method: clinical testing. Allele origin: germline.
Comment: This sequence change replaces glycine, which is neutral and non-polar, with arginine, which is basic and polar, at codon 1295 of the ALPK3 protein (p.Gly1295Arg). This variant is not present in population databases (gnomAD no frequency). This variant has not been reported in the literature in individuals affected with ALPK3-related conditions. An algorithm developed to predict the effect of missense changes on protein structure and function (PolyPhen-2) suggests that this variant is likely to be tolerated. In summary, the available evidence is currently insufficient to determine the role of this variant in disease. Therefore, it has been classified as a Variant of Uncertain Significance.

Mayo Clinic Laboratories, Mayo Clinic
Classification: Uncertain significance. Last evaluated: 2024-04-17. Review status: criteria provided, single submitter. Criteria: ACMG Guidelines, 2015. Collection method: clinical testing. Allele origin: germline. Observed: 3 variant alleles.
Comment: PM2